The following is an entry in ClinVar:

NM_001142800.2(EYS):c.1316G>T (p.Gly439Val)

Gene: EYS (EGF-like photoreceptor maintenance factor; minus strand). Cytogenetic location: 6q12.
Variant type: single nucleotide variant.
Coding change: c.1316G>T on transcript NM_001142800.2 (MANE Select); coding-DNA position 1316, G replaced by T.
Protein change: p.Gly439Val; replaces glycine 439 with valine.
Molecular consequence: missense variant.
Genome position (GRCh38, 1-based): chr6:65,353,601, C>A on the plus strand (G>T on the coding strand, the complement: EYS is on the minus strand). VCF-style: chr6-65353601-C-A. GRCh37 (hg19) VCF-style: chr6-66063494-C-A.
Other names: c.1316G>T, p.Gly439Val (NM_001142801.2, NM_001292009.2, NM_198283.2); short protein forms G439V.
Identifiers: ClinVar variation 1449426 (VCV001449426.6), dbSNP rs1183176426, ClinGen allele CA364661921.

ClinVar aggregate classification (germline): Uncertain significance. Review status: criteria provided, multiple submitters, no conflicts (2 of 4 stars). 2 submissions from 2 submitters: Uncertain significance (2). Last evaluated 2023-01-04.

Allele frequency attached by ClinVar (database versions not stated): gnomAD exomes 0.00001.
gnomAD v4.1: 20 of 1,612,616 alleles (0.0012%); highest among the groups gnomAD compares: Non-Finnish European, 0.0014%; no homozygotes.

Submissions (2):

Blueprint Genetics
Classification: Uncertain significance. Last evaluated: 2023-01-04. Review status: criteria provided, single submitter. Criteria: ACMG Guidelines, 2015. Collection method: clinical testing. Allele origin: germline.

Labcorp Genetics (formerly Invitae), Labcorp
Classification: Uncertain significance. Last evaluated: 2022-03-19. Review status: criteria provided, single submitter. Criteria: Invitae Variant Classification Sherloc (09022015). Collection method: clinical testing. Allele origin: germline.
Comment: This sequence change replaces glycine, which is neutral and non-polar, with valine, which is neutral and non-polar, at codon 439 of the EYS protein (p.Gly439Val). This variant is present in population databases (no rsID available, gnomAD 0.007%). This variant has not been reported in the literature in individuals affected with EYS-related conditions. Algorithms developed to predict the effect of missense changes on protein structure and function are either unavailable or do not agree on the potential impact of this missense change (SIFT: "Deleterious"; PolyPhen-2: "Benign"; Align-GVGD: "Class C0"). In summary, the available evidence is currently insufficient to determine the role of this variant in disease. Therefore, it has been classified as a Variant of Uncertain Significance.